The following is an entry in ClinVar:

ClinVar aggregate classification (germline): Uncertain significance. Review status: criteria provided, multiple submitters, no conflicts (2 of 4 stars). 2 submissions from 2 submitters: Uncertain significance (2). Last evaluated 2025-06-27.

Conditions:
Hypertrophic cardiomyopathy 1 (CMH1). Also called: MYH7-Related Familial Hypertrophic Cardiomyopathy; Familial hypertrophic cardiomyopathy 1. Identifiers: MedGen C3495498, MONDO:0008647, OMIM 192600.

Allele frequency attached by ClinVar (database versions not stated): gnomAD 0.00001 and 0.00002; gnomAD exomes 0.00001 and 0.00002; ExAC 0.00002; TOPMed 0.00003; ESP Exome Variant Server 0.00008.

Submissions (2):

Labcorp Genetics (formerly Invitae), Labcorp
Classification: Uncertain significance for Hypertrophic cardiomyopathy 1. Last evaluated: 2025-06-27. Review status: criteria provided, single submitter. Criteria: Invitae Variant Classification Sherloc (09022015). Collection method: clinical testing. Allele origin: germline.
Comment: This sequence change replaces glutamic acid, which is acidic and polar, with lysine, which is basic and polar, at codon 363 of the MYLK2 protein (p.Glu363Lys). This variant is present in population databases (rs367922073, gnomAD 0.003%). This variant has not been reported in the literature in individuals affected with MYLK2-related conditions. ClinVar contains an entry for this variant (Variation ID: 1446437). Invitae Evidence Modeling of protein sequence and biophysical properties (such as structural, functional, and spatial information, amino acid conservation, physicochemical variation, residue mobility, and thermodynamic stability) indicates that this missense variant is not expected to disrupt MYLK2 protein function with a negative predictive value of 80%. In summary, the available evidence is currently insufficient to determine the role of this variant in disease. Therefore, it has been classified as a Variant of Uncertain Significance.

Ambry Genetics
Classification: Uncertain significance. Last evaluated: 2025-05-03. Review status: criteria provided, single submitter. Criteria: Ambry Variant Classification Scheme 2023. Collection method: clinical testing. Allele origin: germline.

NM_033118.4(MYLK2):c.1087G>A (p.Glu363Lys)

Gene: MYLK2 (myosin light chain kinase 2; plus strand). Cytogenetic location: 20q11.21.
Variant type: single nucleotide variant.
Coding change: c.1087G>A on transcript NM_033118.4 (MANE Select); coding-DNA position 1087, G replaced by A.
Protein change: p.Glu363Lys; replaces glutamic acid 363 with lysine.
Molecular consequence: missense variant.
Genome position (GRCh38, 1-based): chr20:31,826,801, G>A. VCF-style: chr20-31826801-G-A. GRCh37 (hg19) VCF-style: chr20-30414604-G-A.
Other names: c.1087G>A (NM_033118.3); short protein forms E363K.
Identifiers: ClinVar variation 1446437 (VCV001446437.7), dbSNP rs367922073, ClinGen allele CA9803116.